The following is an entry in ClinVar:

NM_000214.3(JAG1):c.826T>C (p.Cys276Arg)

Gene: JAG1 (jagged canonical Notch ligand 1; minus strand). Cytogenetic location: 20p12.2.
Variant type: single nucleotide variant.
Coding change: c.826T>C on transcript NM_000214.3 (MANE Select); coding-DNA position 826, T replaced by C.
Protein change: p.Cys276Arg; replaces cysteine 276 with arginine.
Molecular consequence: missense variant.
Genome position (GRCh38, 1-based): chr20:10,652,528, A>G on the plus strand (T>C on the coding strand, the complement: JAG1 is on the minus strand). VCF-style: chr20-10652528-A-G. GRCh37 (hg19) VCF-style: chr20-10633176-A-G.
Other names: short protein forms C276R.
Identifiers: ClinVar variation 959644 (VCV000959644.10), dbSNP rs2067354186, ClinGen allele CA408239334.

ClinVar aggregate classification (germline): Uncertain significance (1 of 4 stars; one submission).

Conditions:
Alagille syndrome due to a JAG1 point mutation. Also called: Alagille Syndrome 1; HEPATIC DUCTULAR HYPOPLASIA, SYNDROMATIC; JAG1-Related Alagille Syndrome. Identifiers: Orphanet 261619, Orphanet 52, MedGen C1956125, MONDO:0016862, OMIM 118450.

Submission:

Labcorp Genetics (formerly Invitae), Labcorp
Classification: Uncertain significance for Alagille syndrome due to a JAG1 point mutation. Last evaluated: 2022-06-22. Review status: criteria provided, single submitter. Criteria: Invitae Variant Classification Sherloc (09022015). Collection method: clinical testing. Allele origin: germline.
Comment: In summary, the available evidence is currently insufficient to determine the role of this variant in disease. Therefore, it has been classified as a Variant of Uncertain Significance. Advanced modeling of protein sequence and biophysical properties (such as structural, functional, and spatial information, amino acid conservation, physicochemical variation, residue mobility, and thermodynamic stability) performed at Invitae indicates that this missense variant is expected to disrupt JAG1 protein function. ClinVar contains an entry for this variant (Variation ID: 959644). This variant has not been reported in the literature in individuals affected with JAG1-related conditions. This variant is not present in population databases (gnomAD no frequency). This sequence change replaces cysteine, which is neutral and slightly polar, with arginine, which is basic and polar, at codon 276 of the JAG1 protein (p.Cys276Arg).